The following is an entry in ClinVar:

ClinVar aggregate classification (germline): Uncertain significance (1 of 4 stars; one submission).

Conditions:
Gastrointestinal stromal tumor. Also called: Gastrointestinal stromal tumor, somatic; Gastrointestinal stroma tumor. Identifiers: Orphanet 44890, MedGen C0238198, MeSH D046152, MONDO:0011719, OMIM 606764, HP:0100723.

Submission:

Labcorp Genetics (formerly Invitae), Labcorp
Classification: Uncertain significance for Gastrointestinal stromal tumor. Last evaluated: 2024-05-31. Review status: criteria provided, single submitter. Criteria: Invitae Variant Classification Sherloc (09022015). Collection method: clinical testing. Allele origin: germline.
Comment: This sequence change replaces arginine, which is basic and polar, with serine, which is neutral and polar, at codon 841 of the PDGFRA protein (p.Arg841Ser). This variant is not present in population databases (gnomAD no frequency). This variant has not been reported in the literature in individuals affected with PDGFRA-related conditions. Advanced modeling of protein sequence and biophysical properties (such as structural, functional, and spatial information, amino acid conservation, physicochemical variation, residue mobility, and thermodynamic stability) has been performed at Invitae for this missense variant, however the output from this modeling did not meet the statistical confidence thresholds required to predict the impact of this variant on PDGFRA protein function. In summary, the available evidence is currently insufficient to determine the role of this variant in disease. Therefore, it has been classified as a Variant of Uncertain Significance.

NM_006206.6(PDGFRA):c.2523A>C (p.Arg841Ser)

Gene: PDGFRA (platelet derived growth factor receptor alpha; plus strand). Cytogenetic location: 4q12.
Variant type: single nucleotide variant.
Coding change: c.2523A>C on transcript NM_006206.6 (MANE Select); coding-DNA position 2523, A replaced by C.
Protein change: p.Arg841Ser; replaces arginine 841 with serine.
Molecular consequence: missense variant.
Genome position (GRCh38, 1-based): chr4:54,285,924, A>C. VCF-style: chr4-54285924-A-C. GRCh37 (hg19) VCF-style: chr4-55152091-A-C.
Other names: c.2598A>C, p.Arg866Ser (NM_001347828.2); c.2523A>C, p.Arg841Ser (NM_001347829.2); c.2562A>C, p.Arg854Ser (NM_001347830.2); short protein forms R866S, R854S, R841S.
Identifiers: ClinVar variation 3655091 (VCV003655091.2).